The following is an entry in ClinVar:

NM_005236.3(ERCC4):c.*3493T>C

Gene: ERCC4 (ERCC excision repair 4, endonuclease catalytic subunit; plus strand). Cytogenetic location: 16p13.12.
Variant type: single nucleotide variant.
Coding change: c.*3493T>C on transcript NM_005236.3 (MANE Select); 3493 bases downstream of the stop codon, T replaced by C.
Molecular consequence: 3 prime UTR variant.
Genome position (GRCh38, 1-based): chr16:13,951,840, T>C. VCF-style: chr16-13951840-T-C. GRCh37 (hg19) VCF-style: chr16-14045697-T-C.
Identifiers: ClinVar variation 317872 (VCV000317872.6), dbSNP rs79560972, ClinGen allele CA10647799.
Genomic context (GRCh38, chr16:13,951,840, plus strand): 5'-TGTTTTGCAAGCATAATTTGATTTTCCTTTGGCTCAGAAAACTCATTTGGGGAAATTCTC[T>C]TTTGTGTTCAGTTTAACCTAGAAAGGTCCTCTTGAAAAACCAACATTTTAGGAAAGTTCT-3'

ClinVar aggregate classification (germline): Benign. Review status: criteria provided, multiple submitters, no conflicts (2 of 4 stars). 2 submissions from 2 submitters: Benign (2). Last evaluated 2018-01-13.

Conditions:
Xeroderma pigmentosum, group F (XPF). Also called: XERODERMA PIGMENTOSUM, COMPLEMENTATION GROUP F; XERODERMA PIGMENTOSUM VI; XP, GROUP F; ERCC4-Related Xeroderma Pigmentosum; XERODERMA PIGMENTOSUM, TYPE F; Xeroderma pigmentosum, type 6. Identifiers: MedGen C0268140, MONDO:0010215, OMIM 278760.

Allele frequency attached by ClinVar (database versions not stated): gnomAD exomes 0.05243; 1000 Genomes Project 0.05711; TOPMed 0.07298; 1000 Genomes Project 30x 0.05856; gnomAD 0.07060 and 0.07396.
gnomAD v4.1: 14,518 of 222,660 alleles (6.5%); highest among the groups gnomAD compares: African/African-American, 10%; 570 homozygotes.

Submissions (2):

Illumina Laboratory Services, Illumina
Classification: Benign for Xeroderma pigmentosum, group F. Last evaluated: 2018-01-13. Review status: criteria provided, single submitter. Criteria: ICSL Variant Classification Criteria 13 December 2019. Collection method: clinical testing. Allele origin: germline.
Comment: This variant was observed in the ICSL laboratory as part of a predisposition screen in an ostensibly healthy population. It had not been previously curated by ICSL or reported in the Human Gene Mutation Database (HGMD: prior to June 1st, 2018), and was therefore a candidate for classification through an automated scoring system. Utilizing variant allele frequency, disease prevalence and penetrance estimates, and inheritance mode, an automated score was calculated to assess if this variant is too frequent to cause the disease. Based on the score and internal cut-off values, a variant classified as benign is not then subjected to further curation. The score for this variant resulted in a classification of benign for this disease.

Breakthrough Genomics
Classification: Benign. Review status: criteria provided, single submitter. Criteria: ACMG Guidelines, 2015. Collection method: not provided. Allele origin: germline. Inheritance: Autosomal recessive inheritance. Affected: yes.